The following is an entry in ClinVar:

NM_015662.3(IFT172):c.4208A>G (p.Gln1403Arg)

Gene: IFT172 (intraflagellar transport 172; minus strand). Cytogenetic location: 2p23.3.
Variant type: single nucleotide variant.
Coding change: c.4208A>G on transcript NM_015662.3 (MANE Select); coding-DNA position 4208, A replaced by G.
Protein change: p.Gln1403Arg; replaces glutamine 1403 with arginine.
Molecular consequence: missense variant.
Genome position (GRCh38, 1-based): chr2:27,449,515, T>C on the plus strand (A>G on the coding strand, the complement: IFT172 is on the minus strand). VCF-style: chr2-27449515-T-C. GRCh37 (hg19) VCF-style: chr2-27672382-T-C.
Other names: c.4208A>G (NM_015662.2); short protein forms Q1403R.
Identifiers: ClinVar variation 1484766 (VCV001484766.4), dbSNP rs1665458761, ClinGen allele CA346421562.

ClinVar aggregate classification (germline): Uncertain significance. Review status: criteria provided, multiple submitters, no conflicts (2 of 4 stars). 2 submissions from 2 submitters: Uncertain significance (2). Last evaluated 2025-05-06.

Conditions:
Retinitis pigmentosa 71 (RP71). Identifiers: Orphanet 791, MedGen C4225342, MONDO:0014618, OMIM 616394.
Short-rib thoracic dysplasia 10 with or without polydactyly (SRTD10). Identifiers: Orphanet 474, MedGen C3810175, MONDO:0014284, OMIM 615630.
IFT172-related disorder. Also called: IFT172-related condition; IFT172-related disorders.

Allele frequency attached by ClinVar (database versions not stated): TOPMed 0.00001.

Submissions (2):

PreventionGenetics, part of Exact Sciences
Classification: Uncertain significance for IFT172-related condition. Last evaluated: 2025-05-06. Review status: criteria provided, single submitter. Criteria: ACMG Guidelines, 2015. Collection method: clinical testing. Allele origin: germline.
Comment: The IFT172 c.4208A>G variant is predicted to result in the amino acid substitution p.Gln1403Arg. To our knowledge, this variant has not been reported in the literature or in a large population database (gnomAD), indicating this variant is rare. At this time, the clinical significance of this variant is uncertain due to the absence of conclusive functional and genetic evidence.

Labcorp Genetics (formerly Invitae), Labcorp
Classification: Uncertain significance for Retinitis pigmentosa 71; Short-rib thoracic dysplasia 10 with or without polydactyly. Last evaluated: 2021-09-21. Review status: criteria provided, single submitter. Criteria: Invitae Variant Classification Sherloc (09022015). Collection method: clinical testing. Allele origin: germline.
Comment: This sequence change replaces glutamine with arginine at codon 1403 of the IFT172 protein (p.Gln1403Arg). The glutamine residue is moderately conserved and there is a small physicochemical difference between glutamine and arginine. This variant is not present in population databases (ExAC no frequency). This variant has not been reported in the literature in individuals affected with IFT172-related conditions. Algorithms developed to predict the effect of missense changes on protein structure and function are either unavailable or do not agree on the potential impact of this missense change (SIFT: "Deleterious"; PolyPhen-2: "Benign"; Align-GVGD: "Class C0"). In summary, the available evidence is currently insufficient to determine the role of this variant in disease. Therefore, it has been classified as a Variant of Uncertain Significance.